The following is an entry in ClinVar:

ClinVar aggregate classification (germline): Likely benign (1 of 4 stars; one submission).

Allele frequency attached by ClinVar (database versions not stated): gnomAD 0.00001; ExAC 0.00002; TOPMed 0.00002; ESP Exome Variant Server 0.00008; 1000 Genomes Project 30x 0.00016; 1000 Genomes Project 0.00020.
gnomAD v4.1: 11 of 1,614,044 alleles (0.00068%); highest among the groups gnomAD compares: East Asian, 0.0045%; no homozygotes.

Submission:

CeGaT Center for Human Genetics Tuebingen
Classification: Likely benign. Last evaluated: 2023-03-01. Review status: criteria provided, single submitter. Criteria: CeGaT Center For Human Genetics Tuebingen Variant Classification Criteria Version 2. Collection method: clinical testing. Allele origin: germline. Affected: yes. Observed: 1 variant allele.
Comment: KRT82: BP4, BP7

NM_033033.4(KRT82):c.1113C>T (p.Gly371=)

Gene: KRT82 (keratin 82; minus strand). Cytogenetic location: 12q13.13.
Variant type: single nucleotide variant.
Coding change: c.1113C>T on transcript NM_033033.4 (MANE Select); coding-DNA position 1113, C replaced by T.
Protein change: p.Gly371=; no amino-acid change (glycine 371 retained).
Molecular consequence: synonymous variant.
Genome position (GRCh38, 1-based): chr12:52,396,188, G>A on the plus strand (C>T on the coding strand, the complement: KRT82 is on the minus strand). VCF-style: chr12-52396188-G-A. GRCh37 (hg19) VCF-style: chr12-52789972-G-A.
Identifiers: ClinVar variation 2643018 (VCV002643018.24), dbSNP rs376408624, ClinGen allele CA6579237.